The following is an entry in ClinVar:

NM_206933.4(USH2A):c.7804G>C (p.Ala2602Pro)

Gene: USH2A (usherin; minus strand). Cytogenetic location: 1q41.
Variant type: single nucleotide variant.
Coding change: c.7804G>C on transcript NM_206933.4 (MANE Select); coding-DNA position 7804, G replaced by C.
Protein change: p.Ala2602Pro; replaces alanine 2602 with proline.
Molecular consequence: missense variant.
Genome position (GRCh38, 1-based): chr1:215,888,845, C>G on the plus strand (G>C on the coding strand, the complement: USH2A is on the minus strand). VCF-style: chr1-215888845-C-G. GRCh37 (hg19) VCF-style: chr1-216062187-C-G.
Other names: short protein forms A2602P.
Identifiers: ClinVar variation 1015486 (VCV001015486.8), dbSNP rs1253043440, ClinGen allele CA344839894.

ClinVar aggregate classification (germline): Uncertain significance (1 of 4 stars; one submission).

gnomAD v4.1: 1 of 1,614,014 alleles (0.000062%); highest among the groups gnomAD compares: African/African-American, 0.0013%; no homozygotes.

Submission:

Labcorp Genetics (formerly Invitae), Labcorp
Classification: Uncertain significance. Last evaluated: 2022-03-19. Review status: criteria provided, single submitter. Criteria: Invitae Variant Classification Sherloc (09022015). Collection method: clinical testing. Allele origin: germline.
Comment: This variant has not been reported in the literature in individuals affected with USH2A-related conditions. ClinVar contains an entry for this variant (Variation ID: 1015486). Algorithms developed to predict the effect of missense changes on protein structure and function are either unavailable or do not agree on the potential impact of this missense change (SIFT: "Deleterious"; PolyPhen-2: "Probably Damaging"; Align-GVGD: "Class C0"). In summary, the available evidence is currently insufficient to determine the role of this variant in disease. Therefore, it has been classified as a Variant of Uncertain Significance. The frequency data for this variant in the population databases is considered unreliable, as metrics indicate poor data quality at this position in the gnomAD database. This sequence change replaces alanine, which is neutral and non-polar, with proline, which is neutral and non-polar, at codon 2602 of the USH2A protein (p.Ala2602Pro).